The following is an entry in ClinVar:

ClinVar aggregate classification (germline): Uncertain significance (1 of 4 stars; one submission).

Conditions:
Hereditary cancer-predisposing syndrome. Also called: Hereditary Cancer Syndrome; Hereditary neoplastic syndrome; Neoplastic Syndromes, Hereditary; Tumor predisposition. Identifiers: Orphanet 140162, MedGen C0027672, MeSH D009386, MONDO:0015356.

Submission:

Ambry Genetics
Classification: Uncertain significance for Hereditary cancer-predisposing syndrome. Last evaluated: 2021-06-08. Review status: criteria provided, single submitter. Criteria: Ambry Variant Classification Scheme 2023. Collection method: clinical testing. Allele origin: germline.
Comment: The p.E1573A variant (also known as c.4718A>C), located in coding exon 15 of the APC gene, results from an A to C substitution at nucleotide position 4718. The glutamic acid at codon 1573 is replaced by alanine, an amino acid with dissimilar properties. This amino acid position is well conserved in available vertebrate species. In addition, in silico predictors for this gene do not accurately predict pathogenicity. Since supporting evidence is limited at this time, the clinical significance of this alteration remains unclear.

NM_000038.6(APC):c.4718A>C (p.Glu1573Ala)

Gene: APC (APC regulator of Wnt signaling pathway; plus strand). Cytogenetic location: 5q22.2.
Variant type: single nucleotide variant.
Coding change: c.4718A>C on transcript NM_000038.6 (MANE Select); coding-DNA position 4718, A replaced by C.
Protein change: p.Glu1573Ala; replaces glutamic acid 1573 with alanine.
Molecular consequence: missense variant.
Genome position (GRCh38, 1-based): chr5:112,840,312, A>C. VCF-style: chr5-112840312-A-C. GRCh37 (hg19) VCF-style: chr5-112176009-A-C.
Other names: c.4718A>C, p.Glu1573Ala (NM_001127510.3, NM_001354895.2, NM_001407450.1); c.4664A>C, p.Glu1555Ala (NM_001127511.3); c.4772A>C, p.Glu1591Ala (NM_001354896.2, NM_001407447.1, NM_001407448.1 and 1 more transcripts); c.4748A>C, p.Glu1583Ala (NM_001354897.2); c.4643A>C, p.Glu1548Ala (NM_001354898.2); c.4634A>C, p.Glu1545Ala (NM_001354899.2); c.4595A>C, p.Glu1532Ala (NM_001354900.2); c.4541A>C, p.Glu1514Ala (NM_001354901.2, NM_001407453.1); and 11 more; short protein forms E1532A, E1548A, E1555A, E1573A, E1601A, E1189A, E1290A, E1490A.
Identifiers: ClinVar variation 1742624 (VCV001742624.2), dbSNP rs2149921979, ClinGen allele CA16031677.
Genomic context (GRCh38, chr5:112,840,312, plus strand): 5'-CAGAAAAAACTATTGATTCTGAAAAGGACCTATTAGATGATTCAGATGATGATGATATTG[A>C]AATACTAGAAGAATGTATTATTTCTGCCATGCCAACAAAGTCATCACGTAAAGCAAAAAA-3'
Protein context (NP_000029.2, residues 1563-1583): LLDDSDDDDI[Glu1573Ala]ILEECIISAM